The following is an entry in ClinVar:

NM_001329943.3(KIAA0586):c.2348C>T (p.Ser783Leu)

Gene: KIAA0586 (KIAA0586; plus strand). Cytogenetic location: 14q23.1.
Variant type: single nucleotide variant.
Coding change: c.2348C>T on transcript NM_001329943.3 (MANE Select); coding-DNA position 2348, C replaced by T.
Protein change: p.Ser783Leu; replaces serine 783 with leucine.
Molecular consequence: missense variant.
Genome position (GRCh38, 1-based): chr14:58,467,828, C>T. VCF-style: chr14-58467828-C-T. GRCh37 (hg19) VCF-style: chr14-58934546-C-T.
Other names: c.2507C>T, p.Ser836Leu (NM_001244189.2); c.2303C>T, p.Ser768Leu (NM_001244190.2); c.2093C>T, p.Ser698Leu (NM_001244191.2, NM_001329945.2, NM_001364700.1 and 1 more transcripts); c.2216C>T, p.Ser739Leu (NM_001244192.2); c.1928C>T, p.Ser643Leu (NM_001244193.2); c.2348C>T, p.Ser783Leu (NM_001329944.2, NM_001329946.2, NM_001329947.2); c.2120C>T, p.Ser707Leu (NM_014749.5); short protein forms S643L, S698L, S707L, S739L, S768L, S783L, S836L.
Identifiers: ClinVar variation 1713503 (VCV001713503.5), dbSNP rs2543276331, ClinGen allele CA389875254.

ClinVar aggregate classification (germline): Uncertain significance (1 of 4 stars; one submission).

Conditions:
Short-rib thoracic dysplasia 14 with polydactyly (SRTD14). Identifiers: Orphanet 397715, MedGen C4225286, MONDO:0014688, OMIM 616546.
Joubert syndrome 23 (JBTS23). Identifiers: Orphanet 475, MedGen C4084822, MONDO:0014664, OMIM 616490.

Submission:

Labcorp Genetics (formerly Invitae), Labcorp
Classification: Uncertain significance for Joubert syndrome 23; Short-rib thoracic dysplasia 14 with polydactyly. Last evaluated: 2022-07-23. Review status: criteria provided, single submitter. Criteria: Invitae Variant Classification Sherloc (09022015). Collection method: clinical testing. Allele origin: germline.
Comment: In summary, the available evidence is currently insufficient to determine the role of this variant in disease. Therefore, it has been classified as a Variant of Uncertain Significance. Algorithms developed to predict the effect of missense changes on protein structure and function are either unavailable or do not agree on the potential impact of this missense change (SIFT: "Tolerated"; PolyPhen-2: "Possibly Damaging"; Align-GVGD: "Class C0"). This variant has not been reported in the literature in individuals affected with KIAA0586-related conditions. This variant is not present in population databases (gnomAD no frequency). This sequence change replaces serine, which is neutral and polar, with leucine, which is neutral and non-polar, at codon 836 of the KIAA0586 protein (p.Ser836Leu).